The following is an entry in ClinVar:

NM_000138.5(FBN1):c.6001C>T (p.Pro2001Ser)

Gene: FBN1 (fibrillin 1; minus strand). Cytogenetic location: 15q21.1.
Variant type: single nucleotide variant.
Coding change: c.6001C>T on transcript NM_000138.5 (MANE Select); coding-DNA position 6001, C replaced by T.
Protein change: p.Pro2001Ser; replaces proline 2001 with serine.
Molecular consequence: missense variant.
Genome position (GRCh38, 1-based): chr15:48,444,577, G>A on the plus strand (C>T on the coding strand, the complement: FBN1 is on the minus strand). VCF-style: chr15-48444577-G-A. GRCh37 (hg19) VCF-style: chr15-48736774-G-A.
Other names: short protein forms P2001S.
Identifiers: ClinVar variation 1420686 (VCV001420686.10), dbSNP rs921321822, ClinGen allele CA269532053.

ClinVar aggregate classification (germline): Uncertain significance. Review status: criteria provided, multiple submitters, no conflicts (2 of 4 stars). 3 submissions from 3 submitters: Uncertain significance (3). Last evaluated 2024-08-06.

Conditions:
Familial thoracic aortic aneurysm and aortic dissection (TAAD). Also called: Thoracic aortic aneurysms and dissections. Identifiers: Orphanet 91387, MedGen C4707243, MONDO:0019625.
Marfan syndrome (MFS). Also called: MARFAN SYNDROME, TYPE I; Marfan syndrome type 1; Marfan's syndrome; Marfan syndrome, classic; FBN1-Related Marfan Syndrome. Identifiers: Orphanet 284963, Orphanet 558, MedGen C0024796, MONDO:0007947, OMIM 154700.

Allele frequency attached by ClinVar (database versions not stated): gnomAD exomes 0.00001 and below 0.00001; gnomAD 0.00001; TOPMed 0.00001.
gnomAD v4.1: 12 of 1,613,462 alleles (0.00074%); highest among the groups gnomAD compares: Non-Finnish European, 0.001%; no homozygotes.

Submissions (3):

All of Us Research Program, National Institutes of Health
Classification: Uncertain significance for Marfan syndrome. Last evaluated: 2024-08-06. Review status: criteria provided, single submitter. Criteria: ACMG Guidelines, 2015. Collection method: clinical testing. Allele origin: germline. Inheritance: Autosomal dominant inheritance. Observed: 2 variant alleles, 2 heterozygotes.
Comment: This missense variant replaces proline with serine at codon 2001 of the FBN1 protein. Computational prediction is inconclusive regarding the impact of this variant on protein structure and function (internally defined REVEL score threshold 0.5 < inconclusive < 0.7, PMID: 27666373). To our knowledge, functional studies have not been reported for this variant. This variant has not been reported in individuals affected with FBN1-related disorders in the literature. This variant has been identified in 1/251232 chromosomes in the general population by the Genome Aggregation Database (gnomAD). The available evidence is insufficient to determine the role of this variant in disease conclusively. Therefore, this variant is classified as a Variant of Uncertain Significance.

This study involves interpretation of variants in research participants for the purpose of population health screening. Participant phenotype was not available at the time of variant classification. Additional details can be found in publication PMID: 35346344, PMCID: PMC8962531

Labcorp Genetics (formerly Invitae), Labcorp
Classification: Uncertain significance for Marfan syndrome; Familial thoracic aortic aneurysm and aortic dissection. Last evaluated: 2024-06-25. Review status: criteria provided, single submitter. Criteria: Invitae Variant Classification Sherloc (09022015). Collection method: clinical testing. Allele origin: germline.
Comment: This sequence change replaces proline, which is neutral and non-polar, with serine, which is neutral and polar, at codon 2001 of the FBN1 protein (p.Pro2001Ser). This variant is present in population databases (no rsID available, gnomAD 0.0009%). This variant has not been reported in the literature in individuals affected with FBN1-related conditions. ClinVar contains an entry for this variant (Variation ID: 1420686). Advanced modeling of protein sequence and biophysical properties (such as structural, functional, and spatial information, amino acid conservation, physicochemical variation, residue mobility, and thermodynamic stability) performed at Invitae indicates that this missense variant is expected to disrupt FBN1 protein function with a positive predictive value of 95%. In summary, the available evidence is currently insufficient to determine the role of this variant in disease. Therefore, it has been classified as a Variant of Uncertain Significance.

Ambry Genetics
Classification: Uncertain significance for Familial thoracic aortic aneurysm and aortic dissection. Last evaluated: 2022-02-20. Review status: criteria provided, single submitter. Criteria: Ambry Variant Classification Scheme 2023. Collection method: clinical testing. Allele origin: germline.
Comment: The p.P2001S variant (also known as c.6001C>T), located in coding exon 48 of the FBN1 gene, results from a C to T substitution at nucleotide position 6001. The proline at codon 2001 is replaced by serine, an amino acid with similar properties. This amino acid position is highly conserved in available vertebrate species. In addition, the in silico prediction for this alteration is inconclusive. Since supporting evidence is limited at this time, the clinical significance of this alteration remains unclear.